The following is an entry in ClinVar:

NM_018684.4(ZC4H2):c.200G>T (p.Arg67Leu)

Gene: ZC4H2 (zinc finger C4H2-type containing; minus strand). Cytogenetic location: Xq11.2.
Variant type: single nucleotide variant.
Coding change: c.200G>T on transcript NM_018684.4 (MANE Select); coding-DNA position 200, G replaced by T.
Protein change: p.Arg67Leu; replaces arginine 67 with leucine.
Molecular consequence: missense variant. On other transcripts: non-coding transcript variant (1).
Genome position (GRCh38, 1-based): chrX:64,921,842, C>A on the plus strand (G>T on the coding strand, the complement: ZC4H2 is on the minus strand). VCF-style: chrX-64921842-C-A. GRCh37 (hg19) VCF-style: chrX-64141722-C-A.
Other names: c.131G>T, p.Arg44Leu (NM_001178032.3, NM_001243804.2); c.200G>T, p.Arg67Leu (NM_001178033.3); short protein forms R44L, R67L.
Identifiers: ClinVar variation 1720682 (VCV001720682.5), dbSNP rs1064795680, ClinGen allele CA413412146.
Genomic context (GRCh38, chrX:64,921,842, plus strand): 5'-AAGGCTTTAGAGATAGGCTCCAGGCAGCCACGTACCACATTGATGTCAGCGTGGATCAGT[C>A]GGAGTTCCTCCACATGGGCCATCTTCTCCTGTAGCAGAAGGTCCATCTCCTGCTTGTATT-3'
Protein context (NP_061154.1, residues 57-77): QEKMAHVEEL[Arg67Leu]LIHADINVME

ClinVar aggregate classification (germline): Uncertain significance (1 of 4 stars; one submission).

Submission:

Labcorp Genetics (formerly Invitae), Labcorp
Classification: Uncertain significance. Last evaluated: 2022-09-29. Review status: criteria provided, single submitter. Criteria: Invitae Variant Classification Sherloc (09022015). Collection method: clinical testing. Allele origin: germline.
Comment: In summary, the available evidence is currently insufficient to determine the role of this variant in disease. Therefore, it has been classified as a Variant of Uncertain Significance. Algorithms developed to predict the effect of missense changes on protein structure and function (SIFT, PolyPhen-2, Align-GVGD) all suggest that this variant is likely to be disruptive. This variant has not been reported in the literature in individuals affected with ZC4H2-related conditions. This variant is not present in population databases (gnomAD no frequency). This sequence change replaces arginine, which is basic and polar, with leucine, which is neutral and non-polar, at codon 67 of the ZC4H2 protein (p.Arg67Leu).